The following is an entry in ClinVar:

NM_032043.3(BRIP1):c.3682GAAATA[1] (p.1228EI[1])

Gene: BRIP1 (BRCA1 interacting DNA helicase 1; minus strand). Cytogenetic location: 17q23.2.
Variant type: Microsatellite.
Coding change: c.3682GAAATA[1] on transcript NM_032043.3 (MANE Select); one copy of the 6-base unit GAAATA starting at c.3682; the reference has two copies in a row; one copy, 6 bases deleted.
Protein change: p.1228EI[1].
Molecular consequence: inframe deletion. On other transcripts: inframe indel (2).
Genome position (GRCh38, 1-based): chr17:61,683,353-61,683,358, TATTTC deleted on the plus strand (GAAATA on the coding strand, the reverse complement: BRIP1 is on the minus strand); deleting any 6 consecutive bases within chr17:61,683,353-61,683,364 gives the same sequence; the position shown is the placement nearest the transcript's 3' end. VCF-style (leftmost placement, unchanged base first): chr17-61683352-TTATTTC-T. GRCh37 (hg19) VCF-style: chr17-59760713-TTATTTC-T.
Other names: c.3688_3693delGAAATA (NM_032043.2); c.3682_3687GAAATA[1], p.Glu1230_Ile1231del (NM_032043.2).
Identifiers: ClinVar variation 3261795 (VCV003261795.1).

ClinVar aggregate classification (germline): Uncertain significance (1 of 4 stars; one submission).

Conditions:
Hereditary cancer-predisposing syndrome. Also called: Hereditary Cancer Syndrome; Tumor predisposition; Hereditary neoplastic syndrome; Neoplastic Syndromes, Hereditary. Identifiers: Orphanet 140162, MedGen C0027672, MeSH D009386, MONDO:0015356.

Submission:

Ambry Genetics
Classification: Uncertain significance for Hereditary cancer-predisposing syndrome. Last evaluated: 2024-03-26. Review status: criteria provided, single submitter. Criteria: Ambry Variant Classification Scheme 2023. Collection method: clinical testing. Allele origin: germline.
Comment: The c.3688_3693delGAAATA variant (also known as p.E1230_I1231del) is located in coding exon 19 of the BRIP1 gene. This variant results from an in-frame GAAATA deletion at nucleotide positions 3688 to 3693. This results in the in-frame deletion of two amino acids at codons 1230 to 1231. This amino acid region is poorly conserved in available vertebrate species. In addition, this alteration is predicted to be neutral by in silico analysis (Choi Y et al. PLoS ONE. 2012; 7(10):e46688). Since supporting evidence is limited at this time, the clinical significance of this alteration remains unclear.